The following is an entry in ClinVar:

ClinVar aggregate classification (germline): Pathogenic (1 of 4 stars; one submission).

Conditions:
Duchenne muscular dystrophy (DMD). Also called: Duchenne Muscular Dystrophy (DMD); MUSCULAR DYSTROPHY, PSEUDOHYPERTROPHIC PROGRESSIVE, DUCHENNE TYPE. Identifiers: Orphanet 98896, MedGen C0013264, MONDO:0010679, OMIM 310200.

Submission:

Labcorp Genetics (formerly Invitae), Labcorp
Classification: Pathogenic for Duchenne muscular dystrophy. Last evaluated: 2019-04-04. Review status: criteria provided, single submitter. Criteria: Invitae Variant Classification Sherloc (09022015). Collection method: clinical testing. Allele origin: germline.
Comment: This variant is an in-frame deletion of the genomic region encompassing exons 45-51 of the DMD gene. It preserves the integrity of the reading frame. Deletions of exons 45-51 have been reported in multiple individuals affected with Duchenne or Becker muscular dystrophy (PMID: 19367636, 20153965, 9007319, 16770791). For these reasons, this variant has been classified as Pathogenic.

Literature cited by the submitters: PubMed 16770791; PubMed 19367636; PubMed 9007319; PubMed 20153965.

NC_000023.11:g.(?_31773950)_(31875383_?)del

Gene: DMD (dystrophin; minus strand). Cytogenetic location: Xp21.1.
Variant type: Deletion.
Identifiers: ClinVar variation 833496 (VCV000833496.1).